The following is an entry in ClinVar:

ClinVar aggregate classification (germline): Uncertain significance (1 of 4 stars; one submission).

Allele frequency attached by ClinVar (database versions not stated): TOPMed below 0.00001; gnomAD exomes 0.00001; gnomAD 0.00001.
gnomAD v4.1: 3 of 1,381,440 alleles (0.00022%); highest among the groups gnomAD compares: Non-Finnish European, 0.00028%; no homozygotes.

Submission:

Labcorp Genetics (formerly Invitae), Labcorp
Classification: Uncertain significance. Last evaluated: 2021-12-23. Review status: criteria provided, single submitter. Criteria: Invitae Variant Classification Sherloc (09022015). Collection method: clinical testing. Allele origin: germline.
Comment: This sequence change replaces histidine, which is basic and polar, with leucine, which is neutral and non-polar, at codon 53 of the HOXD13 protein (p.His53Leu). The frequency data for this variant in the population databases is considered unreliable, as metrics indicate poor data quality at this position in the gnomAD database. This variant has not been reported in the literature in individuals affected with HOXD13-related conditions. Algorithms developed to predict the effect of missense changes on protein structure and function (SIFT, PolyPhen-2, Align-GVGD) all suggest that this variant is likely to be tolerated. In summary, the available evidence is currently insufficient to determine the role of this variant in disease. Therefore, it has been classified as a Variant of Uncertain Significance.

NM_000523.4(HOXD13):c.158A>T (p.His53Leu)

Gene: HOXD13 (homeobox D13; plus strand). Cytogenetic location: 2q31.1.
Variant type: single nucleotide variant.
Coding change: c.158A>T on transcript NM_000523.4 (MANE Select); coding-DNA position 158, A replaced by T.
Protein change: p.His53Leu; replaces histidine 53 with leucine.
Molecular consequence: missense variant.
Genome position (GRCh38, 1-based): chr2:176,093,048, A>T. VCF-style: chr2-176093048-A-T. GRCh37 (hg19) VCF-style: chr2-176957776-A-T.
Other names: short protein forms H53L.
Identifiers: ClinVar variation 2076640 (VCV002076640.4), dbSNP rs1182919667, ClinGen allele CA349352202.